The following is an entry in ClinVar:

ClinVar aggregate classification (germline): Pathogenic. Review status: criteria provided, multiple submitters, no conflicts (2 of 4 stars). 2 submissions from 2 submitters: Pathogenic (2). Last evaluated 2024-07-16.

Conditions:
Familial cancer of breast. Also called: BREAST CANCER, FAMILIAL; hereditary breast carcinoma; Hereditary breast cancer. Identifiers: Orphanet 227535, MedGen C0346153, MONDO:0016419, OMIM 114480. Disease mechanism: loss of function.
Fanconi anemia complementation group J. Also called: BRIP1-Related Fanconi Anemia. Identifiers: Orphanet 84, MedGen C1836860, MONDO:0012187, OMIM 609054.

Submissions (2):

Labcorp Genetics (formerly Invitae), Labcorp
Classification: Pathogenic for Familial cancer of breast; Fanconi anemia complementation group J. Last evaluated: 2024-07-16. Review status: criteria provided, single submitter. Criteria: Invitae Variant Classification Sherloc (09022015). Collection method: clinical testing. Allele origin: germline.
Comment: This sequence change creates a premature translational stop signal (p.Ser624Argfs*64) in the BRIP1 gene. It is expected to result in an absent or disrupted protein product. Loss-of-function variants in BRIP1 are known to be pathogenic (PMID: 16116423, 17033622, 21964575). This variant is not present in population databases (gnomAD no frequency). This variant has not been reported in the literature in individuals affected with BRIP1-related conditions. ClinVar contains an entry for this variant (Variation ID: 2583747). For these reasons, this variant has been classified as Pathogenic.

Myriad Genetics, Inc.
Classification: Pathogenic for Familial cancer of breast. Last evaluated: 2023-06-05. Review status: criteria provided, single submitter. Criteria: Myriad Autosomal Dominant, Autosomal Recessive and X-Linked Classification Criteria (2023). Collection method: clinical testing. Allele origin: unknown.
Comment: This variant is considered pathogenic. This variant creates a frameshift predicted to result in premature protein truncation.

Literature cited by the submitters: PubMed 16116423 (cited by Labcorp Genetics (formerly Invitae), Labcorp); PubMed 17033622 (cited by Labcorp Genetics (formerly Invitae), Labcorp); PubMed 21964575 (cited by Labcorp Genetics (formerly Invitae), Labcorp).

NM_032043.3(BRIP1):c.1870del (p.Ser624fs)

Gene: BRIP1 (BRCA1 interacting DNA helicase 1; minus strand). Cytogenetic location: 17q23.2.
Variant type: Deletion.
Coding change: c.1870del on transcript NM_032043.3 (MANE Select); coding-DNA position 1870, one base deleted (T; older notation c.1870delT).
Protein change: p.Ser624fs; shifts the reading frame from serine 624.
Molecular consequence: frameshift variant.
Genome position (GRCh38, 1-based): chr17:61,780,326, A deleted on the plus strand (T on the coding strand, the reverse complement: BRIP1 is on the minus strand); the first of 4 consecutive A bases (chr17:61,780,326-61,780,329); deleting any one gives the same sequence. VCF-style (leftmost placement, unchanged base first): chr17-61780325-GA-G. GRCh37 (hg19) VCF-style: chr17-59857686-GA-G.
Other names: short protein forms S624fs.
Identifiers: ClinVar variation 2583747 (VCV002583747.5), dbSNP rs2545019279, ClinGen allele CA2582342273.